The following is an entry in ClinVar:

ClinVar aggregate classification (germline): Pathogenic (0 of 4 stars; one submission).

Conditions:
Pyruvate dehydrogenase E1-alpha deficiency (PDHAD). Also called: ATAXIA, INTERMITTENT, WITH PYRUVATE DEHYDROGENASE DEFICIENCY; ATAXIA WITH LACTIC ACIDOSIS I; ATAXIA, INTERMITTENT, WITH ABNORMAL PYRUVATE METABOLISM; Ataxia, intermittent, with pyruvate dehydrogenase, or decarboxylase, deficiency. Identifiers: Orphanet 79243, MedGen C1839413, MONDO:0010717, OMIM 312170.

Submission:

PDHA1 Study Group, University Children’s Hospital, Paracelsus Medical University
Classification: Pathogenic for Pyruvate dehydrogenase E1-alpha deficiency. Last evaluated: 2024-10-15. Review status: no assertion criteria provided. Collection method: research. Allele origin: de novo. Affected: yes. Observed: 2 variant alleles.
Comment: The NM_000284.3:c.422G>T (p.Arg141Leu) substitution is a missense variant in PDHA1 gene. In total, 2 individuals were diagnosed with PDHA1-related Pyruvate dehydrogenase complex (PDHc) deficiency (MIM #312170). Among them, 1 case had confirmed de novo occurrence. The variant has been reported in 2 published cases (PMIDs: 11757583, 22079328). Last literature search: July 12, 2024. This variant is absent or extremely rare in population-based cohorts in the Genome Aggregation Database (gnomAD). Individuals harboring this variant presented with clinical features compatible with PDHA1-related PDHc deficiency. In summary, this variant meets criteria to be classified as pathogenic (P) for PDHA1-related PDHc deficiency based on the ACMG/AMP criteria applied: PS2, PM1, PM2, PM5, PM7, PP3 (last assessment October 15, 2024).

Literature cited by the submitters: PubMed 11757583; PubMed 22079328; DOI 10.1093/brain/awaf430.

NM_000284.4(PDHA1):c.422G>T (p.Arg141Leu)

Gene: PDHA1 (pyruvate dehydrogenase E1 subunit alpha 1; plus strand). Cytogenetic location: Xp22.12.
Variant type: single nucleotide variant.
Coding change: c.422G>T on transcript NM_000284.4 (MANE Select); coding-DNA position 422, G replaced by T.
Protein change: p.Arg141Leu; replaces arginine 141 with leucine.
Molecular consequence: missense variant.
Genome position (GRCh38, 1-based): chrX:19,353,085, G>T. VCF-style: chrX-19353085-G-T. GRCh37 (hg19) VCF-style: chrX-19371203-G-T.
Other names: c.536G>T, p.Arg179Leu (NM_001173454.2); c.443G>T, p.Arg148Leu (NM_001173455.2); c.422G>T, p.Arg141Leu (NM_001173456.2); short protein forms R141L, R148L, R179L.
Identifiers: ClinVar variation 4070499 (VCV004070499.1).